The following is an entry in ClinVar:

ClinVar aggregate classification (germline): Uncertain significance (1 of 4 stars; one submission).

gnomAD v4.1: 4 of 1,600,138 alleles (0.00025%); highest among the groups gnomAD compares: South Asian, 0.0045%; no homozygotes.

Submission:

Labcorp Genetics (formerly Invitae), Labcorp
Classification: Uncertain significance. Last evaluated: 2021-08-28. Review status: criteria provided, single submitter. Criteria: Invitae Variant Classification Sherloc (09022015). Collection method: clinical testing. Allele origin: germline.
Comment: This sequence change replaces arginine with leucine at codon 1252 of the COL18A1 protein (p.Arg1252Leu). There is a moderate physicochemical difference between arginine and leucine. This variant is not present in population databases (ExAC no frequency). This variant has not been reported in the literature in individuals affected with COL18A1-related conditions. Experimental studies and prediction algorithms are not available or were not evaluated, and the functional significance of this variant is currently unknown. In summary, the available evidence is currently insufficient to determine the role of this variant in disease. Therefore, it has been classified as a Variant of Uncertain Significance.

NM_001379500.1(COL18A1):c.3764G>T (p.Arg1255Leu)

Genes: COL18A1 (collagen type XVIII alpha 1 chain; plus strand), SLC19A1 (solute carrier family 19 member 1; minus strand). Cytogenetic location: 21q22.3.
Variant type: single nucleotide variant.
Coding change: c.3764G>T on transcript NM_001379500.1 (MANE Select); coding-DNA position 3764, G replaced by T.
Protein change: p.Arg1255Leu; replaces arginine 1255 with leucine.
Molecular consequence: missense variant.
Genome position (GRCh38, 1-based): chr21:45,511,181, G>T. VCF-style: chr21-45511181-G-T. GRCh37 (hg19) VCF-style: chr21-46931095-G-T.
Other names: c.4295G>T, p.Arg1432Leu (NM_030582.4); c.5000G>T, p.Arg1667Leu (NM_130444.3); short protein forms R1667L, R1255L, R1432L.
Identifiers: ClinVar variation 1398129 (VCV001398129.5), dbSNP rs757116735, ClinGen allele CA410501987.